The following is an entry in ClinVar:

ClinVar aggregate classification (germline): Uncertain significance (1 of 4 stars; one submission).

gnomAD v4.1: 3 of 1,613,902 alleles (0.00019%); highest among the groups gnomAD compares: African/African-American, 0.004%; no homozygotes.

Submission:

Quest Diagnostics Nichols Institute San Juan Capistrano
Classification: Uncertain significance. Last evaluated: 2025-06-16. Review status: criteria provided, single submitter. Criteria: Quest Diagnostics criteria. Collection method: clinical testing. Allele origin: unknown.
Comment: The VWF c.2685+5G>A variant has not been reported in individuals with VWF-related conditions in the published literature. The frequency of this variant in the general population (Genome Aggregation Database) is uninformative in the assessment of its pathogenicity. Analysis of this variant using software algorithms for the prediction of the effect of nucleotide changes on splicing yielded predictions that this variant may affect proper VWF mRNA splicing. Based on the available information, we are unable to determine the clinical significance of this variant.

NM_000552.5(VWF):c.2685+5G>A

Gene: VWF (von Willebrand factor; minus strand). Cytogenetic location: 12p13.31.
Variant type: single nucleotide variant.
Coding change: c.2685+5G>A on transcript NM_000552.5 (MANE Select); 5 bases into the intron after coding-DNA position 2685, G replaced by A.
Molecular consequence: intron variant.
Genome position (GRCh38, 1-based): chr12:6,034,683, C>T on the plus strand (G>A on the coding strand, the complement: VWF is on the minus strand). VCF-style: chr12-6034683-C-T. GRCh37 (hg19) VCF-style: chr12-6143849-C-T.
Identifiers: ClinVar variation 3572157 (VCV003572157.2).
Genomic context (GRCh38, chr12:6,034,683, plus strand): 5'-GAGGCCACACCTCCCACCCCTCCTAGAAAGAAACAGCACCCTCTCCCCATCTCCCCACCT[C>T]TCACCTGCACCAGAACGTACTGGCACTCCCCGGGGAACAGGTATTTGAGCCCGTCGAAGG-3'